The following is an entry in ClinVar:

ClinVar aggregate classification (germline): Uncertain significance (1 of 4 stars; one submission).

Submission:

Women's Health and Genetics/Laboratory Corporation of America, LabCorp
Classification: Uncertain significance. Last evaluated: 2023-10-03. Review status: criteria provided, single submitter. Criteria: LabCorp Variant Classification Summary - May 2015. Collection method: clinical testing. Allele origin: germline.
Comment: Variant summary: CACNA1A c.1072G>C (p.Val358Leu) results in a conservative amino acid change in the encoded protein sequence. Three of five in-silico tools predict a damaging effect of the variant on protein function. The variant was absent in 241236 control chromosomes (gnomAD). The available data on variant occurrences in the general population are insufficient to allow any conclusion about variant significance. To our knowledge, no occurrence of c.1072G>C in individuals affected with Epileptic Encephalopathy, Early Infantile, 42 and no experimental evidence demonstrating its impact on protein function have been reported. No submitters have cited clinical-significance assessments for this variant to ClinVar after 2014. Based on the evidence outlined above, the variant was classified as uncertain significance.

NM_001127222.2(CACNA1A):c.1072G>C (p.Val358Leu)

Genes: CACNA1A (calcium voltage-gated channel subunit alpha1 A; minus strand), LOC126862866 (MED14-independent group 3 enhancer GRCh37_chr19:13445719-13446918; plus strand). Cytogenetic location: 19p13.13.
Variant type: single nucleotide variant.
Coding change: c.1072G>C on transcript NM_001127222.2 (MANE Select); coding-DNA position 1072, G replaced by C.
Protein change: p.Val358Leu; replaces valine 358 with leucine.
Molecular consequence: missense variant.
Genome position (GRCh38, 1-based): chr19:13,335,816, C>G on the plus strand (G>C on the coding strand, the complement: CACNA1A is on the minus strand). VCF-style: chr19-13335816-C-G. GRCh37 (hg19) VCF-style: chr19-13446630-C-G.
Other names: c.1072G>C, p.Val358Leu (NM_000068.4, NM_001127221.2, NM_001174080.2 and 1 more transcripts); short protein forms V358L.
Identifiers: ClinVar variation 2637429 (VCV002637429.1), dbSNP rs2145140145, ClinGen allele CA404346681.